The following is an entry in ClinVar:

NM_001105206.3(LAMA4):c.3577C>T (p.Pro1193Ser)

Gene: LAMA4 (laminin subunit alpha 4; minus strand). Cytogenetic location: 6q21.
Variant type: single nucleotide variant.
Coding change: c.3577C>T on transcript NM_001105206.3 (MANE Select); coding-DNA position 3577, C replaced by T.
Protein change: p.Pro1193Ser; replaces proline 1193 with serine.
Molecular consequence: missense variant.
Genome position (GRCh38, 1-based): chr6:112,133,468, G>A on the plus strand (C>T on the coding strand, the complement: LAMA4 is on the minus strand). VCF-style: chr6-112133468-G-A. GRCh37 (hg19) VCF-style: chr6-112454670-G-A.
Other names: c.3556C>T (NM_002290.3); c.3556C>T, p.Pro1186Ser (NM_001105207.3, NM_002290.5); short protein forms P1186S, P1193S.
Identifiers: ClinVar variation 1022647 (VCV001022647.9), dbSNP rs782251597, ClinGen allele CA365375743.

ClinVar aggregate classification (germline): Uncertain significance. Review status: criteria provided, multiple submitters, no conflicts (2 of 4 stars). 2 submissions from 2 submitters: Uncertain significance (2). Last evaluated 2026-02-15.

Conditions:
Cardiovascular phenotype. Identifiers: MedGen CN230736.
Dilated cardiomyopathy 1JJ (CMD1JJ). Identifiers: Orphanet 154, MedGen C3808935, MONDO:0014095, OMIM 615235.

Allele frequency attached by ClinVar (database versions not stated): TOPMed 0.00001.
gnomAD v4.1: 3 of 1,613,566 alleles (0.00019%); highest among the groups gnomAD compares: South Asian, 0.0011%; no homozygotes.

Submissions (2):

Ambry Genetics
Classification: Uncertain significance for Cardiovascular phenotype. Last evaluated: 2026-02-15. Review status: criteria provided, single submitter. Criteria: Ambry Variant Classification Scheme 2023. Collection method: clinical testing. Allele origin: germline.
Comment: The p.P1186S variant (also known as c.3556C>T), located in coding exon 26 of the LAMA4 gene, results from a C to T substitution at nucleotide position 3556. The proline at codon 1186 is replaced by serine, an amino acid with similar properties. This amino acid position is conserved. In addition, this alteration is predicted to be tolerated by in silico analysis. Based on the available evidence, the clinical significance of this variant remains unclear.

Labcorp Genetics (formerly Invitae), Labcorp
Classification: Uncertain significance for Dilated cardiomyopathy 1JJ. Last evaluated: 2020-06-10. Review status: criteria provided, single submitter. Criteria: Invitae Variant Classification Sherloc (09022015). Collection method: clinical testing. Allele origin: germline.
Comment: This variant has not been reported in the literature in individuals with LAMA4-related conditions. In summary, the available evidence is currently insufficient to determine the role of this variant in disease. Therefore, it has been classified as a Variant of Uncertain Significance. Algorithms developed to predict the effect of missense changes on protein structure and function (SIFT, PolyPhen-2, Align-GVGD) all suggest that this variant is likely to be tolerated, but these predictions have not been confirmed by published functional studies and their clinical significance is uncertain. This variant is not present in population databases (ExAC no frequency). This sequence change replaces proline with serine at codon 1186 of the LAMA4 protein (p.Pro1186Ser). The proline residue is moderately conserved and there is a moderate physicochemical difference between proline and serine.